The following is an entry in ClinVar:

NM_000038.6(APC):c.7928dup (p.Ile2644fs)

Gene: APC (APC regulator of Wnt signaling pathway; plus strand). Cytogenetic location: 5q22.2.
Variant type: Duplication.
Coding change: c.7928dup on transcript NM_000038.6 (MANE Select); coding-DNA position 7928, one base duplicated (T; older notation c.7928dupT).
Protein change: p.Ile2644fs; shifts the reading frame from isoleucine 2644.
Molecular consequence: frameshift variant.
Genome position (GRCh38, 1-based): chr5:112,843,522, T duplicated. VCF-style (leftmost placement, unchanged base first): chr5-112843521-C-CT. GRCh37 (hg19) VCF-style: chr5-112179218-C-CT.
Other names: c.6776dup, p.Ile2260Asnfs (NM_001407472.1, NM_001407471.1); c.7928dup, p.Ile2644fs (NM_001127510.3, NM_001354895.2); c.7874dup, p.Ile2626fs (NM_001127511.3); c.7982dup, p.Ile2662fs (NM_001354896.2); c.7958dup, p.Ile2654fs (NM_001354897.2); c.7853dup, p.Ile2619fs (NM_001354898.2); c.7844dup, p.Ile2616fs (NM_001354899.2); c.7805dup, p.Ile2603fs (NM_001354900.2); and 16 more; short protein forms I2518fs, I2553fs, I2603fs, I2626fs, I2543fs, I2585fs, I2616fs, I2619fs.
Identifiers: ClinVar variation 1761252 (VCV001761252.5), dbSNP rs2533830101, ClinGen allele CA915940295.
Genomic context (GRCh38, chr5:112,843,521, plus strand): 5'-ACAAATAGTACTTCTCAGACCGTTTCCTCAGGTGCTACAAATGGTGCTGAATCAAAGACT[C>CT]TAATTTATCAAATGGCACCTGCTGTTTCTAAAACAGAGGATGTTTGGGTGAGAATTGAGG-3'

ClinVar aggregate classification (germline): Pathogenic/Likely pathogenic. Review status: criteria provided, multiple submitters, no conflicts (2 of 4 stars). 3 submissions from 3 submitters: Pathogenic (1); Likely pathogenic (2). Last evaluated 2023-10-20.

Conditions:
Hereditary cancer-predisposing syndrome. Also called: Neoplastic Syndromes, Hereditary; Tumor predisposition; Hereditary Cancer Syndrome; Hereditary neoplastic syndrome. Identifiers: Orphanet 140162, MedGen C0027672, MeSH D009386, MONDO:0015356.
Familial adenomatous polyposis 1 (FAP1). Also called: FAMILIAL ADENOMATOUS POLYPOSIS 1, ATTENUATED; POLYPOSIS, ADENOMATOUS INTESTINAL. Identifiers: MedGen C2713442, MONDO:0021056, OMIM 175100. Disease mechanism: loss of function.

Submissions (3):

Baylor Genetics
Classification: Likely pathogenic for Familial adenomatous polyposis 1. Last evaluated: 2023-10-20. Review status: criteria provided, single submitter. Criteria: ACMG Guidelines, 2015. Collection method: clinical testing. Allele origin: unknown.

Myriad Genetics, Inc.
Classification: Pathogenic for Familial adenomatous polyposis 1. Last evaluated: 2023-05-16. Review status: criteria provided, single submitter. Criteria: Myriad Autosomal Dominant, Autosomal Recessive and X-Linked Classification Criteria (2023). Collection method: clinical testing. Allele origin: unknown.
Comment: This variant is considered pathogenic. This variant creates a frameshift predicted to result in premature protein truncation.

Ambry Genetics
Classification: Likely pathogenic for Hereditary cancer-predisposing syndrome. Last evaluated: 2021-02-24. Review status: criteria provided, single submitter. Criteria: Ambry Variant Classification Scheme 2023. Collection method: clinical testing. Allele origin: germline.
Comment: The c.7928dupT variant, located in coding exon 15 of the APC gene, results from a duplication of T at nucleotide position 7928, causing a translational frameshift with a predicted alternate stop codon (p.I2644Nfs*10). This alteration occurs at the 3' terminus of theAPC gene, is not expected to trigger nonsense-mediated mRNA decay, and only impacts the last 191 amino acids of the protein. However, premature stop codons are typically deleterious in nature and the impacted region is critical for protein function (Ambry internal data). This variant was not reported in population-based cohorts in the Genome Aggregation Database (gnomAD). Based on the majority of available evidence to date, this variant is likely to be pathogenic.